The following is an entry in ClinVar:

NM_000760.4(CSF3R):c.1630C>G (p.Gln544Glu)

Gene: CSF3R (colony stimulating factor 3 receptor; minus strand). Cytogenetic location: 1p34.3.
Variant type: single nucleotide variant.
Coding change: c.1630C>G on transcript NM_000760.4 (MANE Select); coding-DNA position 1630, C replaced by G.
Protein change: p.Gln544Glu; replaces glutamine 544 with glutamic acid.
Molecular consequence: missense variant.
Genome position (GRCh38, 1-based): chr1:36,468,168, G>C on the plus strand (C>G on the coding strand, the complement: CSF3R is on the minus strand). VCF-style: chr1-36468168-G-C. GRCh37 (hg19) VCF-style: chr1-36933769-G-C.
Other names: c.1630C>G, p.Gln544Glu (NM_156039.3, NM_172313.3); short protein forms Q544E.
Identifiers: ClinVar variation 2849947 (VCV002849947.3), dbSNP rs949664688, ClinGen allele CA339418312.

ClinVar aggregate classification (germline): Uncertain significance (1 of 4 stars; one submission).

Conditions:
Autosomal recessive severe congenital neutropenia due to CSF3R deficiency. Also called: Neutropenia, severe congenital, 7, autosomal recessive. Identifiers: Orphanet 420702, MedGen C4310764, MONDO:0014865, OMIM 617014.

Submission:

Labcorp Genetics (formerly Invitae), Labcorp
Classification: Uncertain significance for Autosomal recessive severe congenital neutropenia due to CSF3R deficiency. Last evaluated: 2023-03-27. Review status: criteria provided, single submitter. Criteria: Invitae Variant Classification Sherloc (09022015). Collection method: clinical testing. Allele origin: germline.
Comment: In summary, the available evidence is currently insufficient to determine the role of this variant in disease. Therefore, it has been classified as a Variant of Uncertain Significance. Advanced modeling of protein sequence and biophysical properties (such as structural, functional, and spatial information, amino acid conservation, physicochemical variation, residue mobility, and thermodynamic stability) performed at Invitae indicates that this missense variant is not expected to disrupt CSF3R protein function. This variant has not been reported in the literature in individuals affected with CSF3R-related conditions. This variant is not present in population databases (gnomAD no frequency). This sequence change replaces glutamine, which is neutral and polar, with glutamic acid, which is acidic and polar, at codon 544 of the CSF3R protein (p.Gln544Glu).